The following is an entry in ClinVar:

ClinVar aggregate classification (germline): Likely benign. Review status: criteria provided, single submitter (1 of 4 stars). 2 submissions from 2 submitters: Likely benign (1). 1 of the submissions does not count toward it. Last evaluated 2023-06-20.

Conditions:
SOX11-related disorder. Also called: SOX11-related condition.

Allele frequency attached by ClinVar (database versions not stated): gnomAD 0.00001; TOPMed 0.00001; ESP Exome Variant Server 0.00008.
gnomAD v4.1: 12 of 1,606,346 alleles (0.00075%); highest among the groups gnomAD compares: Admixed American, 0.012%; no homozygotes.

Submissions (2):

Labcorp Genetics (formerly Invitae), Labcorp
Classification: Likely benign. Last evaluated: 2023-06-20. Review status: criteria provided, single submitter. Criteria: Invitae Variant Classification Sherloc (09022015). Collection method: clinical testing. Allele origin: germline.

PreventionGenetics, part of Exact Sciences
Classification: Likely benign for SOX11-related condition. Last evaluated: 2022-05-09. Review status: no assertion criteria provided. Collection method: clinical testing. Allele origin: germline. Not counted in ClinVar's aggregate classification.
Comment: This variant is classified as likely benign based on ACMG/AMP sequence variant interpretation guidelines (Richards et al. 2015 PMID: 25741868, with internal and published modifications).

NM_003108.4(SOX11):c.33G>A (p.Glu11=)

Gene: SOX11 (SRY-box transcription factor 11; plus strand). Cytogenetic location: 2p25.2.
Variant type: single nucleotide variant.
Coding change: c.33G>A on transcript NM_003108.4 (MANE Select); coding-DNA position 33, G replaced by A.
Protein change: p.Glu11=; no amino-acid change (glutamic acid 11 retained).
Molecular consequence: synonymous variant.
Genome position (GRCh38, 1-based): chr2:5,692,754, G>A. VCF-style: chr2-5692754-G-A. GRCh37 (hg19) VCF-style: chr2-5832886-G-A.
Other names: c.33G>A (NM_003108.3).
Identifiers: ClinVar variation 1904007 (VCV001904007.7), dbSNP rs369950584, ClinGen allele CA1517788.